The following is an entry in ClinVar:

ClinVar aggregate classification (germline): Uncertain significance. Review status: criteria provided, multiple submitters, no conflicts (2 of 4 stars). 2 submissions from 2 submitters: Uncertain significance (2). Last evaluated 2025-07-30.

Conditions:
Hereditary cancer-predisposing syndrome. Also called: Tumor predisposition; Hereditary neoplastic syndrome; Neoplastic Syndromes, Hereditary; Hereditary Cancer Syndrome. Identifiers: Orphanet 140162, MedGen C0027672, MeSH D009386, MONDO:0015356.
Mitochondrial complex II deficiency, nuclear type 1. Also called: SUCCINATE CoQ REDUCTASE DEFICIENCY. Identifiers: Orphanet 3208, MedGen C5700310, MONDO:0100294, OMIM 252011.
Pheochromocytoma/paraganglioma syndrome 5. Also called: Paragangliomas 5; SDHA-Related Hereditary Paraganglioma-Pheochromocytoma Syndrome. Identifiers: Orphanet 29072, MedGen C3279992, MONDO:0013602, OMIM 614165.

Submissions (2):

Labcorp Genetics (formerly Invitae), Labcorp
Classification: Uncertain significance for Pheochromocytoma/paraganglioma syndrome 5; Mitochondrial complex II deficiency, nuclear type 1. Last evaluated: 2025-07-30. Review status: criteria provided, single submitter. Criteria: Invitae Variant Classification Sherloc (09022015). Collection method: clinical testing. Allele origin: germline.
Comment: This sequence change replaces leucine, which is neutral and non-polar, with methionine, which is neutral and non-polar, at codon 380 of the SDHA protein (p.Leu380Met). This variant is not present in population databases (gnomAD no frequency). This variant has not been reported in the literature in individuals affected with SDHA-related conditions. ClinVar contains an entry for this variant (Variation ID: 1004812). Invitae Evidence Modeling of protein sequence and biophysical properties (such as structural, functional, and spatial information, amino acid conservation, physicochemical variation, residue mobility, and thermodynamic stability) has been performed for this missense variant. However, the output from this modeling did not meet the statistical confidence thresholds required to predict the impact of this variant on SDHA protein function. In summary, the available evidence is currently insufficient to determine the role of this variant in disease. Therefore, it has been classified as a Variant of Uncertain Significance.

Ambry Genetics
Classification: Uncertain significance for Hereditary cancer-predisposing syndrome. Last evaluated: 2025-01-23. Review status: criteria provided, single submitter. Criteria: Ambry Variant Classification Scheme 2023. Collection method: clinical testing. Allele origin: germline.
Comment: The p.L380M variant (also known as c.1138C>A), located in coding exon 9 of the SDHA gene, results from a C to A substitution at nucleotide position 1138. The leucine at codon 380 is replaced by methionine, an amino acid with highly similar properties. This amino acid position is conserved. In addition, the in silico prediction for this alteration is inconclusive. Based on the available evidence, the clinical significance of this variant remains unclear.

NM_004168.4(SDHA):c.1138C>A (p.Leu380Met)

Gene: SDHA (succinate dehydrogenase complex flavoprotein subunit A; plus strand). Cytogenetic location: 5p15.33.
Variant type: single nucleotide variant.
Coding change: c.1138C>A on transcript NM_004168.4 (MANE Select); coding-DNA position 1138, C replaced by A.
Protein change: p.Leu380Met; replaces leucine 380 with methionine.
Molecular consequence: missense variant.
Genome position (GRCh38, 1-based): chr5:235,217, C>A. VCF-style: chr5-235217-C-A. GRCh37 (hg19) VCF-style: chr5-235332-C-A.
Other names: c.994C>A, p.Leu332Met (NM_001294332.2); c.1138C>A, p.Leu380Met (NM_001330758.2); c.1138C>A (NM_004168.2); short protein forms L332M, L380M.
Identifiers: ClinVar variation 1004812 (VCV001004812.10), dbSNP rs1735694280, ClinGen allele CA359013530.